The following is an entry in ClinVar:

ClinVar aggregate classification (germline): Conflicting classifications of pathogenicity. Review status: criteria provided, conflicting classifications (1 of 4 stars). 5 submissions from 5 submitters: Uncertain significance (4); Likely benign (1). Last evaluated 2025-08-28.

Conditions:
Short-rib thoracic dysplasia 6 with or without polydactyly (SRTD6). Also called: Majewski Syndrome; SHORT-RIB THORACIC DYSPLASIA 6 WITH POLYDACTYLY; SHORT-RIB THORACIC DYSPLASIA 6 WITHOUT POLYDACTYLY; POLYDACTYLY WITH NEONATAL CHONDRODYSTROPHY, TYPE II; SHORT RIB-POLYDACTYLY SYNDROME, TYPE IIA. Identifiers: MedGen C0024507, MONDO:0009894, OMIM 263520.
Axial spondylometaphyseal dysplasia. Also called: AXIAL SMD. Identifiers: Orphanet 168549, MedGen C1865695, MONDO:0011211, OMIM 602271.
Mohr syndrome (OFD2). Also called: OFDS II; ORAL-FACIAL-DIGITAL SYNDROME, TYPE II; OROFACIODIGITAL SYNDROME II. Identifiers: Orphanet 2751, MedGen C0026363, MONDO:0009642, OMIM 252100.
Inborn genetic diseases. Identifiers: MedGen C0950123, MeSH D030342.

Allele frequency attached by ClinVar (database versions not stated): gnomAD 0.00003; TOPMed 0.00003; gnomAD exomes 0.00007; ExAC 0.00012; 1000 Genomes Project 0.00040; 1000 Genomes Project 30x 0.00062.
gnomAD v4.1: 40 of 1,546,600 alleles (0.0026%); highest among the groups gnomAD compares: South Asian, 0.028%; no homozygotes.

Submissions (5):

Ambry Genetics
Classification: Uncertain significance for Inborn genetic diseases. Last evaluated: 2025-08-28. Review status: criteria provided, single submitter. Criteria: Ambry Variant Classification Scheme 2023. Collection method: clinical testing. Allele origin: germline.

Labcorp Genetics (formerly Invitae), Labcorp
Classification: Uncertain significance for Short-rib thoracic dysplasia 6 with or without polydactyly. Last evaluated: 2025-03-13. Review status: criteria provided, single submitter. Criteria: Invitae Variant Classification Sherloc (09022015). Collection method: clinical testing. Allele origin: germline.
Comment: This sequence change replaces arginine, which is basic and polar, with glycine, which is neutral and non-polar, at codon 355 of the NEK1 protein (p.Arg355Gly). This variant is present in population databases (rs35763578, gnomAD 0.04%). This variant has not been reported in the literature in individuals affected with NEK1-related conditions. ClinVar contains an entry for this variant (Variation ID: 642879). Invitae Evidence Modeling of protein sequence and biophysical properties (such as structural, functional, and spatial information, amino acid conservation, physicochemical variation, residue mobility, and thermodynamic stability) indicates that this missense variant is not expected to disrupt NEK1 protein function with a negative predictive value of 95%. In summary, the available evidence is currently insufficient to determine the role of this variant in disease. Therefore, it has been classified as a Variant of Uncertain Significance.

GeneDx
Classification: Uncertain significance. Last evaluated: 2022-11-07. Review status: criteria provided, single submitter. Criteria: GeneDx Variant Classification Process June 2021. Collection method: clinical testing. Allele origin: germline. Affected: yes.
Comment: In silico analysis supports that this missense variant has a deleterious effect on protein structure/function; Has not been previously published as pathogenic or benign to our knowledge; This variant is associated with the following publications: (PMID: 27527004)

ARUP Laboratories, Molecular Genetics and Genomics, ARUP Laboratories
Classification: Uncertain significance. Last evaluated: 2022-03-15. Review status: criteria provided, single submitter. Criteria: ARUP Molecular Germline Variant Investigation Process 2021. Collection method: clinical testing. Allele origin: germline.
Comment: The NEK1 c.1063A>G; p.Arg355Gly variant (rs35763578), to our knowledge, is not reported in the medical literature but is reported in ClinVar (Variation ID: 642879). This variant is found in the general population with an overall allele frequency of 0.0066% (13/196588 alleles) in the Genome Aggregation Database. The arginine at codon 355 is moderately conserved, and computational analyses predict that this variant is neutral (REVEL: 0.082). Due to limited information, the clinical significance of this variant is uncertain at this time.

Illumina Laboratory Services, Illumina
Classification: Likely benign for Short-rib thoracic dysplasia 6 with or without polydactyly. Last evaluated: 2018-01-13. Review status: criteria provided, single submitter. Criteria: ICSL Variant Classification Criteria 13 December 2019. Collection method: clinical testing. Allele origin: germline.
Comment: This variant was observed in the ICSL laboratory as part of a predisposition screen in an ostensibly healthy population. It had not been previously curated by ICSL or reported in the Human Gene Mutation Database (HGMD: prior to June 1st, 2018), and was therefore a candidate for classification through an automated scoring system. Utilizing variant allele frequency, disease prevalence and penetrance estimates, and inheritance mode, an automated score was calculated to assess if this variant is too frequent to cause the disease. Based on the score and internal cut-off values, a variant classified as likely benign is not then subjected to further curation. The score for this variant resulted in a classification of likely benign for this disease.

NM_001199397.3(NEK1):c.1063A>G (p.Arg355Gly)

Gene: NEK1 (NIMA related kinase 1; minus strand). Cytogenetic location: 4q33.
Variant type: single nucleotide variant.
Coding change: c.1063A>G on transcript NM_001199397.3 (MANE Select); coding-DNA position 1063, A replaced by G.
Protein change: p.Arg355Gly; replaces arginine 355 with glycine.
Molecular consequence: missense variant. On other transcripts: non-coding transcript variant (2).
Genome position (GRCh38, 1-based): chr4:169,562,154, T>C on the plus strand (A>G on the coding strand, the complement: NEK1 is on the minus strand). VCF-style: chr4-169562154-T-C. GRCh37 (hg19) VCF-style: chr4-170483305-T-C.
Other names: c.1063A>G, p.Arg355Gly (NM_001199398.3, NM_001199399.3, NM_001199400.3 and 7 more transcripts); short protein forms R355G.
Identifiers: ClinVar variation 642879 (VCV000642879.16), dbSNP rs35763578, ClinGen allele CA3137871.
Genomic context (GRCh38, chr4:169,562,154, plus strand): 5'-ATGTTTGCAAAGCTTTAAAATAACCAGACAGATGTCTTTATACCTCAGATATTTTCCTCC[T>C]TTCTTCTCCAGTATTCACTCTCTTCTCTGGAGTTTGATGGGCCTGGACAAAAAGTAAAAC-3'
Protein context (NP_001186326.1, residues 345-365): PEKRVNTGEE[Arg355Gly]RKISEEAARK